The following is an entry in ClinVar:

ClinVar aggregate classification (germline): Pathogenic (1 of 4 stars; one submission).

Conditions:
Developmental and epileptic encephalopathy. Identifiers: MedGen C5779964, MONDO:0100620.

Submission:

Labcorp Genetics (formerly Invitae), Labcorp
Classification: Pathogenic for Early-infantile DEE. Last evaluated: 2021-03-10. Review status: criteria provided, single submitter. Criteria: Invitae Variant Classification Sherloc (09022015). Collection method: clinical testing. Allele origin: germline.
Comment: This variant disrupts the p.Asp194 amino acid residue in SCN1A. Other variant(s) that disrupt this residue have been determined to be pathogenic (PMID: 17054684, 19589774). This suggests that this residue is clinically significant, and that variants that disrupt this residue are likely to be disease-causing. For these reasons, this variant has been classified as Pathogenic. This variant has been observed in individual(s) with clinical features of SCN1A-related conditions (Invitae). This variant results in the deletion of exon(s) 3-4 and part of exon 5 (c.384-490_659del) of the SCN1A gene. It is expected to disrupt RNA splicing. Variants that disrupt the donor or acceptor splice site typically lead to a loss of protein function (PMID: 16199547), and loss-of-function variants in SCN1A are known to be pathogenic (PMID: 17347258, 18930999).

Literature cited by the submitters: PubMed 17054684; PubMed 19589774; PubMed 16199547; PubMed 17347258; PubMed 18930999.

NC_000002.11:g.(?_166909397)_(166913500_?)del

Gene: SCN1A (sodium voltage-gated channel alpha subunit 1; minus strand). Cytogenetic location: 2q24.3.
Variant type: Deletion.
Identifiers: ClinVar variation 1409124 (VCV001409124.5).